The following is an entry in ClinVar:

NM_001372053.1(ANKRD31):c.235C>T (p.Gln79Ter)

Gene: ANKRD31 (ankyrin repeat domain 31; minus strand). Cytogenetic location: 5q13.3.
Variant type: single nucleotide variant.
Coding change: c.235C>T on transcript NM_001372053.1 (MANE Select); coding-DNA position 235, C replaced by T.
Protein change: p.Gln79Ter; replaces glutamine 79 with a stop codon.
Molecular consequence: nonsense.
Genome position (GRCh38, 1-based): chr5:75,222,302, G>A on the plus strand (C>T on the coding strand, the complement: ANKRD31 is on the minus strand). VCF-style: chr5-75222302-G-A. GRCh37 (hg19) VCF-style: chr5-74518127-G-A.
Other names: c.235C>T, p.Gln79Ter (NM_001164443.1); short protein forms Q79*.
Identifiers: ClinVar variation 4891073 (VCV004891073.1).

ClinVar aggregate classification (germline): Uncertain significance (1 of 4 stars; one submission).

Submission:

Greenwood Genetic Center Diagnostic Laboratories, Greenwood Genetic Center
Classification: Uncertain significance. Last evaluated: 2026-05-14. Review status: criteria provided, single submitter. Criteria: ACMG Guidelines, 2015. Collection method: clinical testing. Allele origin: germline.
Comment: Gene of Uncertain Significance